The following is an entry in ClinVar:

NM_022089.4(ATP13A2):c.1126T>C (p.Cys376Arg)

Gene: ATP13A2 (ATPase cation transporting 13A2; minus strand). Cytogenetic location: 1p36.13.
Variant type: single nucleotide variant.
Coding change: c.1126T>C on transcript NM_022089.4 (MANE Select); coding-DNA position 1126, T replaced by C.
Protein change: p.Cys376Arg; replaces cysteine 376 with arginine.
Molecular consequence: missense variant.
Genome position (GRCh38, 1-based): chr1:16,997,089, A>G on the plus strand (T>C on the coding strand, the complement: ATP13A2 is on the minus strand). VCF-style: chr1-16997089-A-G. GRCh37 (hg19) VCF-style: chr1-17323584-A-G.
Other names: c.1111T>C, p.Cys371Arg (NM_001141973.3, NM_001141974.3); short protein forms C376R, C371R.
Identifiers: ClinVar variation 642320 (VCV000642320.1), dbSNP rs1570833382, ClinGen allele CA338255090.
Genomic context (GRCh38, chr1:16,997,089, plus strand): 5'-TCACCACTGCCAGGACGTGCGGTCCCACATAGGCCCGGGCCTGCAAGATGAGGGTCCCGC[A>G]GAAGAGTGTGTGCCGCCGGTGTGTCTCTGCACAGTAGGGCCCCAGCCCCTCCGGCAGTGC-3'
Protein context (NP_071372.1, residues 366-386): AETHRRHTLF[Cys376Arg]GTLILQARAY

ClinVar aggregate classification (germline): Uncertain significance (1 of 4 stars; one submission).

Conditions:
Kufor-Rakeb syndrome (KRS). Also called: PARKINSON DISEASE 9, AUTOSOMAL RECESSIVE, JUVENILE-ONSET. Identifiers: Orphanet 306674, Orphanet 314632, MedGen C1847640, MONDO:0011706, OMIM 606693.
Autosomal recessive spastic paraplegia type 78. Identifiers: Orphanet 513436, MedGen C5567893, MONDO:0014975, OMIM 617225.

Allele frequency attached by ClinVar (database versions not stated): gnomAD exomes below 0.00001.
gnomAD v4.1: 2 of 1,613,666 alleles (0.00012%); highest among the groups gnomAD compares: Non-Finnish European, 0.000085%; no homozygotes.

Submission:

Labcorp Genetics (formerly Invitae), Labcorp
Classification: Uncertain significance for Parkinson disease 9; Spastic paraplegia 78, autosomal recessive. Last evaluated: 2018-12-13. Review status: criteria provided, single submitter. Criteria: Invitae Variant Classification Sherloc (09022015). Collection method: clinical testing. Allele origin: germline.
Comment: This sequence change replaces cysteine with arginine at codon 376 of the ATP13A2 protein (p.Cys376Arg). The cysteine residue is moderately conserved and there is a large physicochemical difference between cysteine and arginine. This variant is not present in population databases (ExAC no frequency). This variant has not been reported in the literature in individuals with ATP13A2-related conditions. Algorithms developed to predict the effect of missense changes on protein structure and function are either unavailable or do not agree on the potential impact of this missense change (SIFT: "Tolerated"; PolyPhen-2: "Probably Damaging"; Align-GVGD: "Class C0"). In summary, the available evidence is currently insufficient to determine the role of this variant in disease. Therefore, it has been classified as a Variant of Uncertain Significance.